The following is an entry in ClinVar:

NM_001042492.3(NF1):c.7340AAG[1] (p.Glu2448del)

Gene: NF1 (neurofibromin 1; plus strand). Cytogenetic location: 17q11.2.
Variant type: Microsatellite.
Coding change: c.7340AAG[1] on transcript NM_001042492.3 (MANE Select); one copy of the 3-base unit AAG starting at c.7340; the reference has two copies in a row; one copy, 3 bases deleted.
Protein change: p.Glu2448del; deletes glutamic acid 2448.
Molecular consequence: inframe deletion. On other transcripts: inframe indel (2).
Genome position (GRCh38, 1-based): chr17:31,350,204-31,350,206, AAG deleted; deleting any 3 consecutive bases within chr17:31,350,200-31,350,206 gives the same sequence; the position shown is the placement nearest the transcript's 3' end. VCF-style (leftmost placement, unchanged base first): chr17-31350199-TGAA-T. GRCh37 (hg19) VCF-style: chr17-29677217-TGAA-T.
Other names: c.7280_7282delAAG (NM_000267.3); c.7343_7345delAAG (NM_001042492.2); c.7280_7282del (NM_000267.3); c.7277_7279AAG[1], p.Glu2427del (NM_000267.4); short protein forms E2427del, E2448del.
Identifiers: ClinVar variation 141719 (VCV000141719.15), dbSNP rs587781961, ClinGen allele CA166221.
Genomic context (GRCh38, chr17:31,350,199, plus strand): 5'-TGTGATTTGTTAAATTTTTTAACCTGCCACCGTTTTCCTTTTAGCTTTACTTACAGTGTC[TGAA>T]GAAGTTCGAAGTCGCTGCAGCCTAAAACATAGAAAGTCACTTCTTCTTACTGATATTTCA-3'

ClinVar aggregate classification (germline): Conflicting classifications of pathogenicity. Review status: criteria provided, conflicting classifications (1 of 4 stars). 7 submissions from 6 submitters: Uncertain significance (5); Likely benign (2). Last evaluated 2026-02-03.

Conditions:
Hereditary cancer-predisposing syndrome. Also called: Neoplastic Syndromes, Hereditary; Hereditary Cancer Syndrome; Tumor predisposition; Hereditary neoplastic syndrome. Identifiers: Orphanet 140162, MedGen C0027672, MeSH D009386, MONDO:0015356.
Cardiovascular phenotype. Identifiers: MedGen CN230736.
Neurofibromatosis, type 1 (NF1). Also called: VON RECKLINGHAUSEN DISEASE; Peripheral type neurofibromatosis; NEUROFIBROMATOSIS, TYPE I, SOMATIC; Neurofibromatosis, type I. Identifiers: Orphanet 636, MedGen C0027831, MONDO:0018975, OMIM 162200. Disease mechanism: loss of function.

Submissions (7):

Labcorp Genetics (formerly Invitae), Labcorp
Classification: Likely benign for Neurofibromatosis, type 1. Last evaluated: 2026-02-03. Review status: criteria provided, single submitter. Criteria: Invitae Variant Classification Sherloc (09022015). Collection method: clinical testing. Allele origin: germline.

Ambry Genetics
Classification: Likely benign for Cardiovascular phenotype; Hereditary cancer-predisposing syndrome. Last evaluated: 2025-06-17. Review status: criteria provided, single submitter. Criteria: Ambry Variant Classification Scheme 2023. Collection method: clinical testing. Allele origin: germline.

GeneDx
Classification: Uncertain significance. Last evaluated: 2024-09-26. Review status: criteria provided, single submitter. Criteria: GeneDx Variant Classification Process June 2021. Collection method: clinical testing. Allele origin: germline.
Comment: In-frame deletion of 1 amino acid in a non-repeat region; In silico analysis supports a deleterious effect on protein structure/function; Has not been previously published as pathogenic or benign to our knowledge; This variant is associated with the following publications: (PMID: 25486365)

Blueprint Genetics
Classification: Uncertain significance. Last evaluated: 2024-08-01. Review status: criteria provided, single submitter. Criteria: ACMG Guidelines, 2015. Collection method: clinical testing. Allele origin: germline.

Genome-Nilou Lab
Classification: Uncertain significance for Neurofibromatosis, type 1. Last evaluated: 2022-03-15. Review status: criteria provided, single submitter. Criteria: ACMG Guidelines, 2015. Collection method: clinical testing. Allele origin: germline. Affected: no.

Sema4
Classification: Uncertain significance for Hereditary cancer-predisposing syndrome. Last evaluated: 2021-07-02. Review status: criteria provided, single submitter. Criteria: Sema4 Curation Guidelines. Collection method: curation. Allele origin: germline.
Comment: The NF1 c.7280_7282delAAG (p.E2427del) variant has not been reported in the literature to our knowledge. It was observed in 4/10078 chromosomes of the Ashkenazi Jewish subpopulation in the large and broad cohorts of the Genome Aggregation Database (PMID: 32461654) and has been reported in ClinVar (Variation ID 141719). The evidence is insufficient to meet ACMG/AMP criteria for classifying the variant as benign or pathogenic. Thus, the clinical significance of this variant is currently uncertain.

Ambry Genetics
Classification: Uncertain significance for Hereditary cancer-predisposing syndrome. Last evaluated: 2015-06-27. Review status: criteria provided, single submitter. Criteria: Ambry Autosomal Dominant and X-Linked criteria (10/2015). Collection method: clinical testing. Allele origin: germline. Observed: 1 variant allele.
Comment: Ã¢â‚¬â€¹The c.7343_7345delAAG variant (also known as p.E2448del) is located in coding exon 50 of the NF1 gene. This variant results from an in-frame deletion of 3 nucleotides at positions 7343 to 7345. This results in the deletion of a highly-conserved glutamate residue at codon 2448. This variant was not reported in population-based cohorts in the following databases: Database of Single Nucleotide Polymorphisms (dbSNP), NHLBI Exome Sequencing Project (ESP) and 1000 Genomes Project. To date, this alteration has been detected with an allele frequency of approximately 0.008% (greater than 110000 alleles tested) in our clinical cohort. Since supporting evidence is limited at this time, the clinical significance of c.7343_7345delAAG remains unclear.